The following is an entry in ClinVar:

ClinVar aggregate classification (germline): Likely pathogenic (1 of 4 stars; one submission).

Conditions:
Autosomal recessive osteopetrosis 1. Also called: TCIRG1-Related Autosomal Recessive Osteopetrosis; ALBERS-SCHONBERG DISEASE, AUTOSOMAL RECESSIVE; TCIRG1-Related Osteopetrosis. Identifiers: Orphanet 667, MedGen C1850127, MONDO:0009815, OMIM 259700.

Submission:

Myriad Genetics, Inc.
Classification: Likely pathogenic for Autosomal recessive osteopetrosis 1. Last evaluated: 2022-03-02. Review status: criteria provided, single submitter. Criteria: Myriad Women's Health Autosomal Recessive and X-Linked Classification Criteria (2021). Collection method: clinical testing. Allele origin: unknown.
Comment: NM_006019.3(TCIRG1):c.1722delC(T575Pfs*13) is expected to be pathogenic in the context of autosomal recessive osteopetrosis type 1. This variant is predicted to lead to an abnormal or absent protein product due to the creation of a premature termination codon in TCIRG1, a gene where loss-of-function variants are known to be pathogenic. Please note: this variant was assessed in the context of healthy population screening.

NM_006019.4(TCIRG1):c.1722del (p.Thr575fs)

Gene: TCIRG1 (T cell immune regulator 1, ATPase H+ transporting V0 subunit a3; plus strand). Cytogenetic location: 11q13.2.
Variant type: Deletion.
Coding change: c.1722del on transcript NM_006019.4 (MANE Select); coding-DNA position 1722, one base deleted (C; older notation c.1722delC).
Protein change: p.Thr575fs; shifts the reading frame from threonine 575.
Molecular consequence: frameshift variant.
Genome position (GRCh38, 1-based): chr11:68,049,129, C deleted. VCF-style (leftmost placement, unchanged base first): chr11-68049128-TC-T. GRCh37 (hg19) VCF-style: chr11-67816595-TC-T.
Other names: c.828del, p.Thr277fs (NM_001351059.2); c.1074del, p.Thr359fs (NM_006053.4); short protein forms T277fs, T359fs, T575fs.
Identifiers: ClinVar variation 1724924 (VCV001724924.2), dbSNP rs2495658074, ClinGen allele CA2580084823.